The following is an entry in ClinVar:

ClinVar aggregate classification (germline): Uncertain significance (1 of 4 stars; one submission).

Allele frequency attached by ClinVar (database versions not stated): gnomAD exomes 0.00001; ExAC 0.00002; gnomAD 0.00004; TOPMed 0.00005.
gnomAD v4.1: 15 of 1,612,074 alleles (0.00093%); highest among the groups gnomAD compares: African/African-American, 0.02%; no homozygotes.

Submission:

Labcorp Genetics (formerly Invitae), Labcorp
Classification: Uncertain significance. Last evaluated: 2022-09-21. Review status: criteria provided, single submitter. Criteria: Invitae Variant Classification Sherloc (09022015). Collection method: clinical testing. Allele origin: germline.
Comment: This variant is present in population databases (rs760247162, gnomAD 0.01%). This variant has not been reported in the literature in individuals affected with LEMD3-related conditions. Advanced modeling of protein sequence and biophysical properties (such as structural, functional, and spatial information, amino acid conservation, physicochemical variation, residue mobility, and thermodynamic stability) performed at Invitae indicates that this missense variant is not expected to disrupt LEMD3 protein function. Algorithms developed to predict the effect of sequence changes on RNA splicing suggest that this variant may disrupt the consensus splice site. In summary, the available evidence is currently insufficient to determine the role of this variant in disease. Therefore, it has been classified as a Variant of Uncertain Significance. This sequence change replaces aspartic acid, which is acidic and polar, with glycine, which is neutral and non-polar, at codon 503 of the LEMD3 protein (p.Asp503Gly).

NM_014319.5(LEMD3):c.1508A>G (p.Asp503Gly)

Gene: LEMD3 (LEM domain containing 3; plus strand). Cytogenetic location: 12q14.3.
Variant type: single nucleotide variant.
Coding change: c.1508A>G on transcript NM_014319.5 (MANE Select); coding-DNA position 1508, A replaced by G.
Protein change: p.Asp503Gly; replaces aspartic acid 503 with glycine.
Molecular consequence: missense variant.
Genome position (GRCh38, 1-based): chr12:65,171,104, A>G. VCF-style: chr12-65171104-A-G. GRCh37 (hg19) VCF-style: chr12-65564884-A-G.
Other names: c.1508A>G, p.Asp503Gly (NM_001167614.2); short protein forms D503G.
Identifiers: ClinVar variation 1909572 (VCV001909572.5), dbSNP rs760247162, ClinGen allele CA6670912.
Genomic context (GRCh38, chr12:65,171,104, plus strand): 5'-TATTTTTCCTAATACTGGGACTGACTTACCTAGGAATGAGAGGGACAGGAGTATCTGAGG[A>G]TGGAGAACTCAGCAGTAAGTATTAAATCCTGTGGGTAAGGTAACAAAGAGAATGTTGTTA-3'
Protein context (NP_055134.2, residues 493-513): LGMRGTGVSE[Asp503Gly]GELSIENPFG